The following is an entry in ClinVar:

ClinVar aggregate classification (germline): Uncertain significance (1 of 4 stars; one submission).

Conditions:
TTC21B-related disorder. Also called: TTC21B-related condition; TTC21B-related disorders.

Submission:

PreventionGenetics, part of Exact Sciences
Classification: Uncertain significance for TTC21B-related condition. Last evaluated: 2025-08-28. Review status: criteria provided, single submitter. Criteria: ACMG Guidelines, 2015. Collection method: clinical testing. Allele origin: germline.
Comment: The TTC21B c.2431G>A variant is predicted to result in the amino acid substitution p.Val811Ile. To our knowledge, this variant has not been reported in the literature or in a large population database (gnomAD), indicating this variant is rare. At this time, the clinical significance of this variant is uncertain due to the absence of conclusive functional and genetic evidence.

NM_024753.5(TTC21B):c.2431G>A (p.Val811Ile)

Gene: TTC21B (tetratricopeptide repeat domain 21B; minus strand). Cytogenetic location: 2q24.3.
Variant type: single nucleotide variant.
Coding change: c.2431G>A on transcript NM_024753.5 (MANE Select); coding-DNA position 2431, G replaced by A.
Protein change: p.Val811Ile; replaces valine 811 with isoleucine.
Molecular consequence: missense variant.
Genome position (GRCh38, 1-based): chr2:165,911,357, C>T on the plus strand (G>A on the coding strand, the complement: TTC21B is on the minus strand). VCF-style: chr2-165911357-C-T. GRCh37 (hg19) VCF-style: chr2-166767867-C-T.
Other names: short protein forms V811I.
Identifiers: ClinVar variation 4993382 (VCV004993382.1).